The following is an entry in ClinVar:

NM_001367624.2(ZNF469):c.6175C>T (p.Pro2059Ser)

Gene: ZNF469 (zinc finger protein 469; plus strand). Cytogenetic location: 16q24.2.
Variant type: single nucleotide variant.
Coding change: c.6175C>T on transcript NM_001367624.2 (MANE Select); coding-DNA position 6175, C replaced by T.
Protein change: p.Pro2059Ser; replaces proline 2059 with serine.
Molecular consequence: missense variant.
Genome position (GRCh38, 1-based): chr16:88,433,645, C>T. VCF-style: chr16-88433645-C-T. GRCh37 (hg19) VCF-style: chr16-88500053-C-T.
Other names: NM_001127464.1:c.6091C>T; short protein forms P2059S.
Identifiers: ClinVar variation 3258203 (VCV003258203.1).

ClinVar aggregate classification (germline): Uncertain significance (1 of 4 stars; one submission).

Conditions:
Cardiovascular phenotype. Identifiers: MedGen CN230736.

Submission:

Ambry Genetics
Classification: Uncertain significance for Cardiovascular phenotype. Last evaluated: 2024-03-28. Review status: criteria provided, single submitter. Criteria: Ambry Variant Classification Scheme 2023. Collection method: clinical testing. Allele origin: germline.
Comment: The p.P2031S variant (also known as c.6091C>T), located in coding exon 2 of the ZNF469 gene, results from a C to T substitution at nucleotide position 6091. The proline at codon 2031 is replaced by serine, an amino acid with similar properties. This amino acid position is conserved. In addition, this alteration is predicted to be tolerated by in silico analysis. Based on the available evidence, the clinical significance of this alteration remains unclear.